The following is an entry in ClinVar:

ClinVar aggregate classification (germline): Pathogenic. Review status: criteria provided, multiple submitters, no conflicts (2 of 4 stars). 3 submissions from 3 submitters: Pathogenic (3). Last evaluated 2024-03-25.

Conditions:
Polydactyly, postaxial, type A1. Identifiers: MedGen C4282400, MONDO:0008266, OMIM 174200.
Pallister-Hall syndrome (PHS). Also called: HYPOTHALAMIC HAMARTOBLASTOMA, HYPOPITUITARISM, IMPERFORATE ANUS, AND POSTAXIAL POLYDACTYLY; GLI3-Related Pallister-Hall Syndrome. Identifiers: Orphanet 672, MedGen C0265220, MONDO:0007804, OMIM 146510.
Polysyndactyly 4. Also called: Polysyndactyly uncomplicated; Preaxial polydactyly 4. Identifiers: Orphanet 93338, MedGen C1868111, MONDO:0008272, OMIM 174700.
Greig cephalopolysyndactyly syndrome (GCPS). Also called: POLYSYNDACTYLY WITH PECULIAR SKULL SHAPE; Greig syndrome; GLI3-Related Greig Cephalopolysyndactyly Syndrome. Identifiers: Orphanet 380, MedGen C0265306, MONDO:0008287, OMIM 175700.

Allele frequency attached by ClinVar (database versions not stated): gnomAD exomes below 0.00001.

Submissions (3):

GeneDx
Classification: Pathogenic. Last evaluated: 2024-03-25. Review status: criteria provided, single submitter. Criteria: GeneDx Variant Classification Process June 2021. Collection method: clinical testing. Allele origin: germline. Affected: yes.
Comment: Frameshift variant predicted to result in protein truncation or nonsense mediated decay in a gene for which loss of function is a known mechanism of disease; Not observed at significant frequency in large population cohorts (gnomAD); This variant is associated with the following publications: (PMID: 34482537, 15739154)

Fulgent Genetics
Classification: Pathogenic for Pallister-Hall syndrome; Polydactyly, postaxial, type A1; Polysyndactyly 4; Greig cephalopolysyndactyly syndrome. Last evaluated: 2022-05-20. Review status: criteria provided, single submitter. Criteria: ACMG Guidelines, 2015. Collection method: clinical testing. Allele origin: unknown.

Institute for Medical Genetics and Human Genetics, Charité - Universitätsmedizin Berlin
Classification: Pathogenic for Polydactyly, postaxial, type A1. Last evaluated: 2021-06-01. Review status: criteria provided, single submitter. Criteria: ACMG Guidelines, 2015. Collection method: research. Allele origin: germline. Inheritance: Autosomal dominant germline de novo mutation. Affected: yes. Observed: 1 heterozygote.

NM_000168.6(GLI3):c.1880_1881del (p.His627fs)

Gene: GLI3 (GLI family zinc finger 3; minus strand). Cytogenetic location: 7p14.1.
Variant type: Deletion.
Coding change: c.1880_1881del on transcript NM_000168.6 (MANE Select); coding-DNA positions 1880 to 1881, 2 bases deleted (AT; older notation c.1880_1881delAT).
Protein change: p.His627fs; shifts the reading frame from histidine 627.
Molecular consequence: frameshift variant.
Genome position (GRCh38, 1-based): chr7:41,972,559-41,972,560, AT deleted on the plus strand (AT on the coding strand, the reverse complement: GLI3 is on the minus strand). VCF-style (leftmost placement, unchanged base first): chr7-41972558-CAT-C. GRCh37 (hg19) VCF-style: chr7-42012157-CAT-C.
Other names: c.1880_1881del (NM_000168.5); short protein forms H627fs.
Identifiers: ClinVar variation 1120234 (VCV001120234.4), dbSNP rs2128710014, ClinGen allele CA2499218889.